The following is an entry in ClinVar:

NM_001148.6(ANK2):c.1388G>A (p.Arg463His)

Gene: ANK2 (ankyrin 2; plus strand). Cytogenetic location: 4q26.
Variant type: single nucleotide variant.
Coding change: c.1388G>A on transcript NM_001148.6 (MANE Select); coding-DNA position 1388, G replaced by A.
Protein change: p.Arg463His; replaces arginine 463 with histidine.
Molecular consequence: missense variant.
Genome position (GRCh38, 1-based): chr4:113,264,898, G>A. VCF-style: chr4-113264898-G-A. GRCh37 (hg19) VCF-style: chr4-114186054-G-A.
Other names: c.1325G>A, p.Arg442His (NM_001127493.3, NM_001354239.2, NM_001354243.2 and 14 more transcripts); c.1388G>A, p.Arg463His (NM_001354225.2, NM_001354228.2, NM_001354232.2 and 8 more transcripts); c.1433G>A, p.Arg478His (NM_001354230.2, NM_001354231.2, NM_001354237.2 and 5 more transcripts); c.1301G>A, p.Arg434His (NM_001354249.2, NM_001354260.2, NM_001354264.2 and 13 more transcripts); c.1346G>A, p.Arg449His (NM_001354261.2, NM_001386147.1, NM_001386160.1); c.1178G>A, p.Arg393His (NM_001354269.3); c.1190G>A, p.Arg397His (NM_001354273.2); c.1103G>A, p.Arg368His (NM_001354277.2, NM_001386157.1, NM_001386158.1); and 5 more; short protein forms R449H, R478H, R480H, R393H, R442H, R434H, R463H, R472H.
Identifiers: ClinVar variation 1372875 (VCV001372875.7), dbSNP rs1420771855, ClinGen allele CA357930722.

ClinVar aggregate classification (germline): Uncertain significance. Review status: criteria provided, multiple submitters, no conflicts (2 of 4 stars). 2 submissions from 2 submitters: Uncertain significance (2). Last evaluated 2025-04-22.

Conditions:
Cardiovascular phenotype. Identifiers: MedGen CN230736.
Long QT syndrome (LQTS). Identifiers: MedGen C0023976, MeSH D008133, MONDO:0002442. Disease mechanism: loss of function. Inheritance: Various modes of inheritance.

Allele frequency attached by ClinVar (database versions not stated): gnomAD exomes below 0.00001 and 0.00001; gnomAD 0.00001.
gnomAD v4.1: 7 of 1,560,720 alleles (0.00045%); highest among the groups gnomAD compares: Admixed American, 0.0019%; no homozygotes.

Submissions (2):

Ambry Genetics
Classification: Uncertain significance for Cardiovascular phenotype. Last evaluated: 2025-04-22. Review status: criteria provided, single submitter. Criteria: Ambry Variant Classification Scheme 2023. Collection method: clinical testing. Allele origin: germline.
Comment: The p.R463H variant (also known as c.1388G>A), located in coding exon 14 of the ANK2 gene, results from a G to A substitution at nucleotide position 1388. The arginine at codon 463 is replaced by histidine, an amino acid with highly similar properties. This variant was reported in an autism spectrum disorders cohort (Stessman HA et al. Nat Genet, 2017 Apr;49:515-526). This amino acid position is highly conserved in available vertebrate species. In addition, the in silico prediction for this alteration is inconclusive. Based on the available evidence, the clinical significance of this variant remains unclear.

Labcorp Genetics (formerly Invitae), Labcorp
Classification: Uncertain significance for Long QT syndrome. Last evaluated: 2021-10-23. Review status: criteria provided, single submitter. Criteria: Invitae Variant Classification Sherloc (09022015). Collection method: clinical testing. Allele origin: germline.
Comment: This sequence change replaces arginine with histidine at codon 463 of the ANK2 protein (p.Arg463His). The arginine residue is highly conserved and there is a small physicochemical difference between arginine and histidine. In summary, the available evidence is currently insufficient to determine the role of this variant in disease. Therefore, it has been classified as a Variant of Uncertain Significance. Algorithms developed to predict the effect of missense changes on protein structure and function are either unavailable or do not agree on the potential impact of this missense change (SIFT: "Deleterious"; PolyPhen-2: "Probably Damaging"; Align-GVGD: "Class C0"). This missense change has been observed in individual(s) with autism spectrum disorder (PMID: 28191889). This variant is not present in population databases (ExAC no frequency).

Literature cited by the submitters: PubMed 28191889 (cited by Ambry Genetics and Labcorp Genetics (formerly Invitae), Labcorp).